The following is an entry in ClinVar:

ClinVar aggregate classification (germline): Uncertain significance. Review status: criteria provided, multiple submitters, no conflicts (2 of 4 stars). 4 submissions from 4 submitters: Uncertain significance (3). 1 of the submissions does not count toward it. Last evaluated 2022-04-27.

Conditions:
Hereditary cancer-predisposing syndrome. Also called: Tumor predisposition; Neoplastic Syndromes, Hereditary; Hereditary Cancer Syndrome; Hereditary neoplastic syndrome. Identifiers: Orphanet 140162, MedGen C0027672, MeSH D009386, MONDO:0015356.
Familial cancer of breast. Also called: Hereditary breast cancer; BREAST CANCER, FAMILIAL; hereditary breast carcinoma. Identifiers: Orphanet 227535, MedGen C0346153, MONDO:0016419, OMIM 114480. Disease mechanism: loss of function.
Ataxia-telangiectasia syndrome (AT). Also called: ATAXIA-TELANGIECTASIA, COMPLEMENTATION GROUP A; ATAXIA-TELANGIECTASIA, FRESNO VARIANT; Ataxia-telangiectasia; Ataxia-telangiectasia, complementation group D; AT, COMPLEMENTATION GROUP C; Ataxia-telangiectasia, complementation group E. Identifiers: Orphanet 100, MedGen C0004135, MONDO:0008840, OMIM 208900.

Submissions (4):

Color Diagnostics, LLC DBA Color Health
Classification: Uncertain significance for Hereditary cancer-predisposing syndrome. Last evaluated: 2022-04-27. Review status: criteria provided, single submitter. Criteria: ACMG Guidelines, 2015. Collection method: clinical testing. Allele origin: germline.
Comment: This missense variant replaces threonine with isoleucine at codon 2983 of the ATM protein. Computational prediction suggests that this variant may not impact protein structure and function (internally defined REVEL score threshold <= 0.5, PMID: 27666373). To our knowledge, functional studies have not been reported for this variant. This variant has not been reported in individuals affected with hereditary cancer in the literature. This variant has not been identified in the general population by the Genome Aggregation Database (gnomAD). The available evidence is insufficient to determine the role of this variant in disease conclusively. Therefore, this variant is classified as a Variant of Uncertain Significance.

Labcorp Genetics (formerly Invitae), Labcorp
Classification: Uncertain significance for Ataxia-telangiectasia syndrome. Last evaluated: 2021-08-27. Review status: criteria provided, single submitter. Criteria: Invitae Variant Classification Sherloc (09022015). Collection method: clinical testing. Allele origin: germline.
Comment: This sequence change replaces threonine with isoleucine at codon 2983 of the ATM protein (p.Thr2983Ile). The threonine residue is highly conserved and there is a moderate physicochemical difference between threonine and isoleucine. This variant is not present in population databases (ExAC no frequency). This variant has not been reported in the literature in individuals affected with ATM-related conditions. Algorithms developed to predict the effect of missense changes on protein structure and function are either unavailable or do not agree on the potential impact of this missense change (SIFT: "Deleterious"; PolyPhen-2: "Possibly Damaging"; Align-GVGD: "Class C0"). In summary, the available evidence is currently insufficient to determine the role of this variant in disease. Therefore, it has been classified as a Variant of Uncertain Significance.

Liquid Biopsy and Cancer Interception Group, Pfizer-University of Granada-Junta de Andalucía Centre for Genomics and Oncological Research
Classification: Uncertain significance for Familial cancer of breast. Review status: criteria provided, single submitter. Criteria: ACMG Guidelines, 2015. Collection method: clinical testing. Allele origin: germline. Affected: yes. Observed: 1 variant allele.

Natera, Inc.
Classification: Uncertain significance for Ataxia-telangiectasia. Last evaluated: 2025-04-18. Review status: no assertion criteria provided. Collection method: clinical testing. Allele origin: germline. Not counted in ClinVar's aggregate classification.

NM_000051.4(ATM):c.8948C>T (p.Thr2983Ile)

Genes: ATM (ATM serine/threonine kinase; plus strand), C11orf65 (chromosome 11 open reading frame 65; minus strand). Cytogenetic location: 11q22.3.
Variant type: single nucleotide variant.
Coding change: c.8948C>T on transcript NM_000051.4 (MANE Select); coding-DNA position 8948, C replaced by T.
Protein change: p.Thr2983Ile; replaces threonine 2983 with isoleucine.
Molecular consequence: missense variant. On other transcripts: intron variant (2).
Genome position (GRCh38, 1-based): chr11:108,365,179, C>T. VCF-style: chr11-108365179-C-T. GRCh37 (hg19) VCF-style: chr11-108235906-C-T.
Other names: c.8948C>T, p.Thr2983Ile (NM_001351834.2); c.640+20741G>A (NM_001330368.2); c.694+20741G>A (NM_001351110.2); short protein forms T2983I.
Identifiers: ClinVar variation 870646 (VCV000870646.49), dbSNP rs1472935232, ClinGen allele CA382530194.